The following is an entry in ClinVar:

NM_004168.4(SDHA):c.363G>C (p.Trp121Cys)

Gene: SDHA (succinate dehydrogenase complex flavoprotein subunit A; plus strand). Cytogenetic location: 5p15.33.
Variant type: single nucleotide variant.
Coding change: c.363G>C on transcript NM_004168.4 (MANE Select); coding-DNA position 363, G replaced by C.
Protein change: p.Trp121Cys; replaces tryptophan 121 with cysteine.
Molecular consequence: missense variant. On other transcripts: intron variant (1).
Genome position (GRCh38, 1-based): chr5:225,469, G>C. VCF-style: chr5-225469-G-C. GRCh37 (hg19) VCF-style: chr5-225584-G-C.
Other names: c.363G>C, p.Trp121Cys (NM_001330758.2); c.313-414G>C (NM_001294332.2); short protein forms W121C.
Identifiers: ClinVar variation 4161201 (VCV004161201.2).
Genomic context (GRCh38, chr5:225,469, plus strand): 5'-GTGTTTCCAGGGAGGAATCAATGCTGCTCTGGGGAACATGGAGGAGGACAACTGGAGGTG[G>C]CATTTCTACGACACCGTGAAGGGCTCCGACTGGCTGGGGGACCAGGATGCCATCCACTAC-3'
Protein context (NP_004159.2, residues 111-131): LGNMEEDNWR[Trp121Cys]HFYDTVKGSD

ClinVar aggregate classification (germline): Uncertain significance (1 of 4 stars; one submission).

Conditions:
Hereditary cancer-predisposing syndrome. Also called: Neoplastic Syndromes, Hereditary; Tumor predisposition; Hereditary Cancer Syndrome; Hereditary neoplastic syndrome. Identifiers: Orphanet 140162, MedGen C0027672, MeSH D009386, MONDO:0015356.

Submission:

Ambry Genetics
Classification: Uncertain significance for Hereditary cancer-predisposing syndrome. Last evaluated: 2026-06-02. Review status: criteria provided, single submitter. Criteria: Ambry Variant Classification Scheme 2023. Collection method: clinical testing. Allele origin: germline.
Comment: The p.W121C variant (also known as c.363G>C), located in coding exon 4 of the SDHA gene, results from a G to C substitution at nucleotide position 363. The tryptophan at codon 121 is replaced by cysteine, an amino acid with highly dissimilar properties. This amino acid position is highly conserved in available vertebrate species. In addition, this alteration is predicted to be deleterious by in silico analysis. Based on the available evidence, the clinical significance of this variant remains unclear.